The following is an entry in ClinVar:

NM_001374736.1(DST):c.21015A>G (p.Lys7005=)

Gene: DST (dystonin; minus strand). Cytogenetic location: 6p12.1.
Variant type: single nucleotide variant.
Coding change: c.21015A>G on transcript NM_001374736.1 (MANE Select); coding-DNA position 21015, A replaced by G.
Protein change: p.Lys7005=; no amino-acid change (lysine 7005 retained).
Molecular consequence: synonymous variant.
Genome position (GRCh38, 1-based): chr6:56,487,136, T>C on the plus strand (A>G on the coding strand, the complement: DST is on the minus strand). VCF-style: chr6-56487136-T-C. GRCh37 (hg19) VCF-style: chr6-56351934-T-C.
Other names: c.14658A>G, p.Lys4886= (NM_001144769.5); c.14244A>G, p.Lys4748= (NM_001144770.2); c.21015A>G, p.Lys7005= (NM_001374722.1); c.20055A>G, p.Lys6685= (NM_001374729.1); c.13797A>G, p.Lys4599= (NM_001374730.1); c.21042A>G, p.Lys7014= (NM_001374734.1); c.14124A>G, p.Lys4708= (NM_001386100.1, NM_183380.4); c.13146A>G, p.Lys4382= (NM_015548.5).
Identifiers: ClinVar variation 1346740 (VCV001346740.6), dbSNP rs2152431807, ClinGen allele CA450488286.

ClinVar aggregate classification (germline): Uncertain significance (1 of 4 stars; one submission).

Conditions:
Hereditary sensory and autonomic neuropathy type 6. Also called: HSAN VI; Neuropathy, hereditary sensory and autonomic, type VI. Identifiers: Orphanet 314381, MedGen C3539003, MONDO:0013839, OMIM 614653.
Epidermolysis bullosa simplex 3, localized or generalized intermediate, with BP230 deficiency (EBS3). Also called: Epidermolysis bullosa simplex, autosomal recessive 2; Epidermolysis bullosa simplex due to BP230 deficiency. Identifiers: Orphanet 412181, MedGen C3809470, MONDO:0014180, OMIM 615425.

gnomAD v4.1: 1 of 1,613,970 alleles (0.000062%); highest among the groups gnomAD compares: Non-Finnish European, 0.000085%; no homozygotes.

Submission:

Labcorp Genetics (formerly Invitae), Labcorp
Classification: Uncertain significance for Epidermolysis bullosa simplex 3, localized or generalized intermediate, with BP230 deficiency; Hereditary sensory and autonomic neuropathy type 6. Last evaluated: 2021-02-25. Review status: criteria provided, single submitter. Criteria: Invitae Variant Classification Sherloc (09022015). Collection method: clinical testing. Allele origin: germline.
Comment: This sequence change affects codon 4382 of the DST mRNA. It is a 'silent' change, meaning that it does not change the encoded amino acid sequence of the DST protein. The DST gene has multiple clinically relevant transcripts. This variant occurs in alternate transcript NM_015548.4, and corresponds to NM_001723.5:c.*128381A>G in the primary transcript. This variant is not present in population databases (ExAC no frequency). This variant has not been reported in the literature in individuals with DST-related conditions. Algorithms developed to predict the effect of sequence changes on RNA splicing suggest that this variant may create or strengthen a splice site, but this prediction has not been confirmed by published transcriptional studies. In summary, the available evidence is currently insufficient to determine the role of this variant in disease. Therefore, it has been classified as a Variant of Uncertain Significance.